The following is an entry in ClinVar:

NM_000059.4(BRCA2):c.2675T>C (p.Phe892Ser)

Gene: BRCA2 (BRCA2 DNA repair associated; plus strand). Cytogenetic location: 13q13.1.
Variant type: single nucleotide variant.
Coding change: c.2675T>C on transcript NM_000059.4 (MANE Select); coding-DNA position 2675, T replaced by C.
Protein change: p.Phe892Ser; replaces phenylalanine 892 with serine.
Molecular consequence: missense variant. On other transcripts: non-coding transcript variant (1), intron variant (2).
Genome position (GRCh38, 1-based): chr13:32,337,030, T>C. VCF-style: chr13-32337030-T-C. GRCh37 (hg19) VCF-style: chr13-32911167-T-C.
Other names: c.2675T>C, p.Phe892Ser (NM_001406719.1, NM_001406720.1); c.1909+3643T>C (NM_001406721.1); c.424+6000T>C (NM_001406722.1); short protein forms F892S.
Identifiers: ClinVar variation 2596627 (VCV002596627.2), dbSNP rs2137488823, ClinGen allele CA387773399.

ClinVar aggregate classification (germline): Uncertain significance (1 of 4 stars; one submission).

Conditions:
Hereditary cancer-predisposing syndrome. Also called: Tumor predisposition; Hereditary Cancer Syndrome; Hereditary neoplastic syndrome; Neoplastic Syndromes, Hereditary. Identifiers: Orphanet 140162, MedGen C0027672, MeSH D009386, MONDO:0015356.

Submission:

Ambry Genetics
Classification: Uncertain significance for Hereditary cancer-predisposing syndrome. Last evaluated: 2023-08-07. Review status: criteria provided, single submitter. Criteria: Ambry Variant Classification Scheme 2023. Collection method: clinical testing. Allele origin: germline.
Comment: The p.F892S variant (also known as c.2675T>C), located in coding exon 10 of the BRCA2 gene, results from a T to C substitution at nucleotide position 2675. The phenylalanine at codon 892 is replaced by serine, an amino acid with highly dissimilar properties. This amino acid position is conserved. In addition, the in silico prediction for this alteration is inconclusive. Since supporting evidence is limited at this time, the clinical significance of this alteration remains unclear.